The following is an entry in ClinVar:

NM_001048166.1(STIL):c.1374C>G (p.His458Gln)

Gene: STIL (STIL centriolar assembly protein; minus strand). Cytogenetic location: 1p33.
Variant type: single nucleotide variant.
Coding change: c.1374C>G on transcript NM_001048166.1 (MANE Select); coding-DNA position 1374, C replaced by G.
Protein change: p.His458Gln; replaces histidine 458 with glutamine.
Molecular consequence: missense variant.
Genome position (GRCh38, 1-based): chr1:47,281,084, G>C on the plus strand (C>G on the coding strand, the complement: STIL is on the minus strand). VCF-style: chr1-47281084-G-C. GRCh37 (hg19) VCF-style: chr1-47746756-G-C.
Other names: c.1374C>G, p.His458Gln (NM_001282936.1, NM_001282937.1, NM_003035.2); c.1233C>G, p.His411Gln (NM_001282938.1, NM_001282939.1); short protein forms H458Q, H411Q.
Identifiers: ClinVar variation 290038 (VCV000290038.9), dbSNP rs527253805, ClinGen allele CA842351.
Genomic context (GRCh38, chr1:47,281,084, plus strand): 5'-AACTTCTGGACTGTGTTTCTCATCATAAAGCTGGGGTTGCAATGGCTTCAAGTGTTCCAA[G>C]TGGTTAATCAAAGGAGGATTTTCATTATTCACCATTTCCAATGGAGTAGGCAGAGGGTTT-3'
Protein context (NP_001041631.1, residues 448-468): VNNENPPLIN[His458Gln]LEHLKPLQPQ

ClinVar aggregate classification (germline): Uncertain significance. Review status: criteria provided, multiple submitters, no conflicts (2 of 4 stars). 4 submissions from 4 submitters: Uncertain significance (4). Last evaluated 2022-08-16.

Conditions:
Inborn genetic diseases. Identifiers: MedGen C0950123, MeSH D030342.
Microcephaly 7, primary, autosomal recessive. Identifiers: Orphanet 2512, MedGen C2675187, MONDO:0012989, OMIM 612703.

Allele frequency attached by ClinVar (database versions not stated): gnomAD exomes 0.00005 and 0.00009; ExAC 0.00007; gnomAD 0.00014; 1000 Genomes Project 30x 0.00016; 1000 Genomes Project 0.00020; TOPMed 0.00038.
gnomAD v4.1: 56 of 1,614,152 alleles (0.0035%); highest among the groups gnomAD compares: Admixed American, 0.083%; no homozygotes.

Submissions (4):

Labcorp Genetics (formerly Invitae), Labcorp
Classification: Uncertain significance. Last evaluated: 2022-08-16. Review status: criteria provided, single submitter. Criteria: Invitae Variant Classification Sherloc (09022015). Collection method: clinical testing. Allele origin: germline.
Comment: This sequence change replaces histidine, which is basic and polar, with glutamine, which is neutral and polar, at codon 458 of the STIL protein (p.His458Gln). This variant is present in population databases (rs527253805, gnomAD 0.07%). This variant has not been reported in the literature in individuals affected with STIL-related conditions. ClinVar contains an entry for this variant (Variation ID: 290038). Algorithms developed to predict the effect of missense changes on protein structure and function output the following: SIFT: "Tolerated"; PolyPhen-2: "Benign"; Align-GVGD: "Class C0". The glutamine amino acid residue is found in multiple mammalian species, which suggests that this missense change does not adversely affect protein function. Algorithms developed to predict the effect of sequence changes on RNA splicing suggest that this variant may create or strengthen a splice site. In summary, the available evidence is currently insufficient to determine the role of this variant in disease. Therefore, it has been classified as a Variant of Uncertain Significance.

Ambry Genetics
Classification: Uncertain significance for Inborn genetic diseases. Last evaluated: 2022-02-08. Review status: criteria provided, single submitter. Criteria: Ambry Variant Classification Scheme 2023. Collection method: clinical testing. Allele origin: germline.

Knight Diagnostic Laboratories, Oregon Health and Sciences University
Classification: Uncertain significance for Microcephaly 7, primary, autosomal recessive. Last evaluated: 2019-06-19. Review status: criteria provided, single submitter. Criteria: ACMG Guidelines, 2015. Collection method: clinical testing. Allele origin: germline. Observed: 1 variant allele.

Eurofins Ntd Llc (ga)
Classification: Uncertain significance. Last evaluated: 2016-09-15. Review status: criteria provided, single submitter. Criteria: EGL Classification Definitions 2015. Collection method: clinical testing. Allele origin: germline. Observed: 1 variant allele, 1 heterozygote.